The following is an entry in ClinVar:

ClinVar aggregate classification (germline): Benign. Review status: criteria provided, multiple submitters, no conflicts (2 of 4 stars). 8 submissions from 6 submitters: Benign (8). Last evaluated 2026-02-04.

Conditions:
Schwartz-Jampel syndrome. Also called: Myotonic myopathy dwarfism chondrodystrophy and ocular and facial abnormalities. Identifiers: Orphanet 800, MedGen C0036391, MONDO:0009717.
Lethal Kniest-like syndrome (DDSH). Also called: Dyssegmental Dysplasia. Identifiers: Orphanet 1865, MedGen C1857100, MONDO:0009140, OMIM 224410.

Allele frequency attached by ClinVar (database versions not stated): TOPMed 0.12968; ESP Exome Variant Server 0.13325; gnomAD 0.13438 and 0.14082; 1000 Genomes Project 0.15954; 1000 Genomes Project 30x 0.16099; gnomAD exomes 0.17206 and 0.17798; ExAC 0.17476.
gnomAD v4.1: 281,387 of 1,613,998 alleles (17%); highest among the groups gnomAD compares: South Asian, 27%; 26,090 homozygotes.

Submissions (8):

Labcorp Genetics (formerly Invitae), Labcorp
Classification: Benign. Last evaluated: 2026-02-04. Review status: criteria provided, single submitter. Criteria: Invitae Variant Classification Sherloc (09022015). Collection method: clinical testing. Allele origin: germline.

Blueprint Genetics
Classification: Benign. Last evaluated: 2024-11-26. Review status: criteria provided, single submitter. Criteria: ACMG Guidelines, 2015. Collection method: clinical testing. Allele origin: germline.

Genome-Nilou Lab
Classification: Benign for Lethal Kniest-like syndrome. Last evaluated: 2021-08-10. Review status: criteria provided, single submitter. Criteria: ACMG Guidelines, 2015. Collection method: clinical testing. Allele origin: germline. Affected: no.

Genome-Nilou Lab
Classification: Benign for Schwartz-Jampel syndrome type 1. Last evaluated: 2021-08-10. Review status: criteria provided, single submitter. Criteria: ACMG Guidelines, 2015. Collection method: clinical testing. Allele origin: germline. Affected: no.

GeneDx
Classification: Benign. Last evaluated: 2018-08-20. Review status: criteria provided, single submitter. Criteria: GeneDx Variant Classification Process June 2021. Collection method: clinical testing. Allele origin: germline. Affected: yes.

Illumina Laboratory Services, Illumina
Classification: Benign for Lethal Kniest-like syndrome. Last evaluated: 2018-01-12. Review status: criteria provided, single submitter. Criteria: ICSL Variant Classification Criteria 13 December 2019. Collection method: clinical testing. Allele origin: germline.
Comment: This variant was observed in the ICSL laboratory as part of a predisposition screen in an ostensibly healthy population. It had not been previously curated by ICSL or reported in the Human Gene Mutation Database (HGMD: prior to June 1st, 2018), and was therefore a candidate for classification through an automated scoring system. Utilizing variant allele frequency, disease prevalence and penetrance estimates, and inheritance mode, an automated score was calculated to assess if this variant is too frequent to cause the disease. Based on the score and internal cut-off values, a variant classified as benign is not then subjected to further curation. The score for this variant resulted in a classification of benign for this disease.

Illumina Laboratory Services, Illumina
Classification: Benign for Schwartz-Jampel syndrome type 1. Last evaluated: 2018-01-12. Review status: criteria provided, single submitter. Criteria: ICSL Variant Classification Criteria 13 December 2019. Collection method: clinical testing. Allele origin: germline.
Comment: the same text as in the submission from Illumina Laboratory Services, Illumina above.

Breakthrough Genomics
Classification: Benign. Review status: criteria provided, single submitter. Criteria: ACMG Guidelines, 2015. Collection method: not provided. Allele origin: germline. Inheritance: Autosomal recessive inheritance. Affected: yes.

NM_005529.7(HSPG2):c.10617C>T (p.Val3539=)

Gene: HSPG2 (heparan sulfate proteoglycan 2; minus strand). Cytogenetic location: 1p36.12.
Variant type: single nucleotide variant.
Coding change: c.10617C>T on transcript NM_005529.7 (MANE Select); coding-DNA position 10617, C replaced by T.
Protein change: p.Val3539=; no amino-acid change (valine 3539 retained).
Molecular consequence: synonymous variant.
Genome position (GRCh38, 1-based): chr1:21,834,782, G>A on the plus strand (C>T on the coding strand, the complement: HSPG2 is on the minus strand). VCF-style: chr1-21834782-G-A. GRCh37 (hg19) VCF-style: chr1-22161275-G-A.
Other names: c.10620C>T, p.Val3540= (NM_001291860.2).
Identifiers: ClinVar variation 295733 (VCV000295733.19), dbSNP rs2229492, ClinGen allele CA670070.
Genomic context (GRCh38, chr1:21,834,782, plus strand): 5'-GTTGGTGGCAGTGCAGCGATACTGTCCCGCATCAGCCAGCTCTACGTGGGCGATCCTGAC[G>A]ACACCTCCGCTCTGCACAATGCCTGGCCGCAGGTGCCCTCCAACTTTGCTCCATGTCACC-3'
Protein context (NP_005520.4, residues 3529-3549): LRPGIVQSGG[Val3539=]VRIAHVELAD